The following is an entry in ClinVar:

NM_152564.5(VPS13B):c.3792A>G (p.Pro1264=)

Gene: VPS13B (vacuolar protein sorting 13 homolog B; plus strand). Cytogenetic location: 8q22.2.
Variant type: single nucleotide variant.
Coding change: c.3792A>G on transcript NM_152564.5 (MANE Select); coding-DNA position 3792, A replaced by G.
Protein change: p.Pro1264=; no amino-acid change (proline 1264 retained).
Molecular consequence: synonymous variant.
Genome position (GRCh38, 1-based): chr8:99,481,724, A>G. VCF-style: chr8-99481724-A-G. GRCh37 (hg19) VCF-style: chr8-100493952-A-G.
Other names: c.3792A>G (NM_152564.4); c.3792A>G, p.Pro1264= (NM_017890.5).
Identifiers: ClinVar variation 1160472 (VCV001160472.10), dbSNP rs778016570, ClinGen allele CA4823337.

ClinVar aggregate classification (germline): Likely benign. Review status: criteria provided, multiple submitters, no conflicts (2 of 4 stars). 2 submissions from 2 submitters: Likely benign (2). Last evaluated 2026-01-06.

Conditions:
VPS13B-related disorder. Also called: VPS13B-related condition.
Cohen syndrome (COH1). Also called: Cutis verticis gyrata, retinitis pigmentosa, and sensorineural deafness; PEPPER SYNDROME. Identifiers: Orphanet 193, MedGen C0265223, MONDO:0008999, OMIM 216550.

Allele frequency attached by ClinVar (database versions not stated): TOPMed below 0.00001; ExAC 0.00001; gnomAD exomes 0.00002 and below 0.00001.
gnomAD v4.1: 4 of 1,614,004 alleles (0.00025%); highest among the groups gnomAD compares: Admixed American, 0.0033%; no homozygotes.

Submissions (2):

Labcorp Genetics (formerly Invitae), Labcorp
Classification: Likely benign for Cohen syndrome. Last evaluated: 2026-01-06. Review status: criteria provided, single submitter. Criteria: Invitae Variant Classification Sherloc (09022015). Collection method: clinical testing. Allele origin: germline.

PreventionGenetics, part of Exact Sciences
Classification: Likely benign for VPS13B-related condition. Last evaluated: 2025-09-02. Review status: criteria provided, single submitter. Criteria: ACMG Guidelines, 2015. Collection method: clinical testing. Allele origin: germline.
Comment: This variant is classified as likely benign based on ACMG/AMP sequence variant interpretation guidelines (Richards et al. 2015 PMID: 25741868, with internal and published modifications).